The following is an entry in ClinVar:

ClinVar aggregate classification (germline): Uncertain significance. Review status: criteria provided, multiple submitters, no conflicts (2 of 4 stars). 2 submissions from 2 submitters: Uncertain significance (2). Last evaluated 2025-01-18.

Allele frequency attached by ClinVar (database versions not stated): ExAC 0.00001; gnomAD 0.00001; gnomAD exomes 0.00001 and 0.00002; TOPMed 0.00002.
gnomAD v4.1: 16 of 1,613,780 alleles (0.00099%); highest among the groups gnomAD compares: Admixed American, 0.0083%; no homozygotes.

Submissions (2):

Ambry Genetics
Classification: Uncertain significance. Last evaluated: 2025-01-18. Review status: criteria provided, single submitter. Criteria: Ambry Variant Classification Scheme 2023. Collection method: clinical testing. Allele origin: germline.

Labcorp Genetics (formerly Invitae), Labcorp
Classification: Uncertain significance. Last evaluated: 2022-02-09. Review status: criteria provided, single submitter. Criteria: Invitae Variant Classification Sherloc (09022015). Collection method: clinical testing. Allele origin: germline.
Comment: This sequence change replaces arginine, which is basic and polar, with tryptophan, which is neutral and slightly polar, at codon 350 of the SP7 protein (p.Arg350Trp). This variant is present in population databases (rs777060888, gnomAD 0.009%). This variant has not been reported in the literature in individuals affected with SP7-related conditions. Algorithms developed to predict the effect of missense changes on protein structure and function are either unavailable or do not agree on the potential impact of this missense change (SIFT: "Deleterious"; PolyPhen-2: "Probably Damaging"; Align-GVGD: "Class C0"). In summary, the available evidence is currently insufficient to determine the role of this variant in disease. Therefore, it has been classified as a Variant of Uncertain Significance.

NM_001173467.3(SP7):c.1048C>T (p.Arg350Trp)

Gene: SP7 (Sp7 transcription factor; minus strand). Cytogenetic location: 12q13.13.
Variant type: single nucleotide variant.
Coding change: c.1048C>T on transcript NM_001173467.3 (MANE Select); coding-DNA position 1048, C replaced by T.
Protein change: p.Arg350Trp; replaces arginine 350 with tryptophan.
Molecular consequence: missense variant.
Genome position (GRCh38, 1-based): chr12:53,328,394, G>A on the plus strand (C>T on the coding strand, the complement: SP7 is on the minus strand). VCF-style: chr12-53328394-G-A. GRCh37 (hg19) VCF-style: chr12-53722178-G-A.
Other names: c.1048C>T (NM_001173467.1); c.994C>T, p.Arg332Trp (NM_001300837.2); c.1048C>T, p.Arg350Trp (NM_152860.2); short protein forms R332W, R350W.
Identifiers: ClinVar variation 1442563 (VCV001442563.7), dbSNP rs777060888, ClinGen allele CA6599472.